The following is an entry in ClinVar:

NM_000552.5(VWF):c.2510C>A (p.Ala837Asp)

Gene: VWF (von Willebrand factor; minus strand). Cytogenetic location: 12p13.31.
Variant type: single nucleotide variant.
Coding change: c.2510C>A on transcript NM_000552.5 (MANE Select); coding-DNA position 2510, C replaced by A.
Protein change: p.Ala837Asp; replaces alanine 837 with aspartic acid.
Molecular consequence: missense variant.
Genome position (GRCh38, 1-based): chr12:6,036,424, G>T on the plus strand (C>A on the coding strand, the complement: VWF is on the minus strand). VCF-style: chr12-6036424-G-T. GRCh37 (hg19) VCF-style: chr12-6145590-G-T.
Other names: p.Ala837Asp; NM_000552.5(VWF):c.2510C>A; c.2510C>A (NM_000552.4); short protein forms A837D.
Identifiers: ClinVar variation 993127 (VCV000993127.8), dbSNP rs75645183, ClinGen allele CA6403049.

ClinVar aggregate classification (germline): Likely benign. Review status: reviewed by expert panel (3 of 4 stars). 5 submissions from 5 submitters: Likely benign (1). 4 of the submissions do not count toward it. Last evaluated 2024-07-09.

Conditions:
Hereditary von Willebrand disease. Identifiers: Orphanet 903, MedGen C5703318, MONDO:0019565. Inheritance: Autosomal recessive or Autosomal dominant.

Allele frequency attached by ClinVar (database versions not stated): gnomAD exomes 0.00188; ExAC 0.00223; gnomAD 0.00701 and 0.00739; TOPMed 0.00710; ESP Exome Variant Server 0.00746; 1000 Genomes Project 0.01138; 1000 Genomes Project 30x 0.01187.
gnomAD v4.1: 2,076 of 1,614,178 alleles (0.13%); highest among the groups gnomAD compares: African/African-American, 2.3%; 24 homozygotes.

Submissions (5):

ClinGen von Willebrand Disease Variant Curation Expert Panel, ClinGen
Classification: Likely benign for Hereditary von Willebrand disease. Last evaluated: 2024-07-09. Review status: reviewed by expert panel. Criteria: ClinGen VWD 2A B M Rules. Collection method: curation. Allele origin: germline.
Comment: The NM_000552.5(VWF):c.2510C>A variant in VWF is a missense variant predicted to cause substitution of alanine by aspartic acid at amino acid 837. TheGrpmax filtering allele frequency in gnomAD v4.1 is 0.02238 (based on 1748/75040 alleles, with 22 homozygotes in the African/African-American population), which is above the ClinGen VWD VCEP threshold of >0.01 for BS1. The computational predictor REVEL gives a score of 0.059, which is below the ClinGen VWD VCEP threshold of <0.290 and does not predict a damaging effect on VWF function (BP4). Additionally, the computational splicing predictor SpliceAI indicated that the variant has no impact on splicing. This variant is classified as likely benign for VWD based on the ACMG/AMP criteria applied, as specified by the ClinGen VWD VCEP: BS1, BP4.

Mayo Clinic Laboratories, Mayo Clinic
Classification: Benign. Last evaluated: 2025-08-13. Review status: criteria provided, single submitter. Criteria: ACMG Guidelines, 2015. Collection method: clinical testing. Allele origin: germline. Observed: 4 variant alleles. Not counted in ClinVar's aggregate classification.
Comment: BS1, BS2, BP4_moderate, BP6

ARUP Laboratories, Molecular Genetics and Genomics, ARUP Laboratories
Classification: Benign. Last evaluated: 2025-05-21. Review status: criteria provided, single submitter. Criteria: ARUP Molecular Germline Variant Investigation Process 2024. Collection method: clinical testing. Allele origin: germline. Not counted in ClinVar's aggregate classification.

Quest Diagnostics Nichols Institute San Juan Capistrano
Classification: Benign. Last evaluated: 2023-09-09. Review status: criteria provided, single submitter. Criteria: Quest Diagnostics criteria. Collection method: clinical testing. Allele origin: unknown. Not counted in ClinVar's aggregate classification.

Breakthrough Genomics
Classification: Benign. Review status: criteria provided, single submitter. Criteria: ACMG Guidelines, 2015. Collection method: not provided. Allele origin: germline. Inheritance: Autosomal recessive inheritance. Affected: yes. Not counted in ClinVar's aggregate classification.

Literature cited by the submitters: PubMed 22197721 (cited by Mayo Clinic Laboratories, Mayo Clinic and Quest Diagnostics Nichols Institute San Juan Capistrano); PubMed 23690449 (cited by Quest Diagnostics Nichols Institute San Juan Capistrano).